The following is an entry in ClinVar:

NM_000046.5(ARSB):c.262C>T (p.Gln88Ter)

Genes: ARSB (arylsulfatase B; minus strand), LOC129994126 (ATAC-STARR-seq lymphoblastoid silent region 16127; plus strand). Cytogenetic location: 5q14.1.
Variant type: single nucleotide variant.
Coding change: c.262C>T on transcript NM_000046.5 (MANE Select); coding-DNA position 262, C replaced by T.
Protein change: p.Gln88Ter; replaces glutamine 88 with a stop codon.
Molecular consequence: nonsense.
Genome position (GRCh38, 1-based): chr5:78,984,987, G>A on the plus strand (C>T on the coding strand, the complement: ARSB is on the minus strand). VCF-style: chr5-78984987-G-A. GRCh37 (hg19) VCF-style: chr5-78280810-G-A.
Other names: c.262C>T, p.Gln88Ter (NM_198709.3); short protein forms Q88*.
Identifiers: ClinVar variation 559752 (VCV000559752.9), dbSNP rs1299207831, ClinGen allele CA360196508.

ClinVar aggregate classification (germline): Pathogenic. Review status: criteria provided, multiple submitters, no conflicts (2 of 4 stars). 3 submissions from 3 submitters: Pathogenic (3). Last evaluated 2023-04-25.

Conditions:
Mucopolysaccharidosis type 6 (MPS6). Also called: MPS VI; N-ACETYLGALACTOSAMINE-4-SULFATASE DEFICIENCY; ARSB DEFICIENCY; ARYLSULFATASE B DEFICIENCY; MPS 6; Maroteaux Lamy syndrome. Identifiers: Orphanet 583, MedGen C0026709, MONDO:0009661, OMIM 253200.

Allele frequency attached by ClinVar (database versions not stated): gnomAD 0.00001; gnomAD exomes below 0.00001; TOPMed below 0.00001.

Submissions (3):

Labcorp Genetics (formerly Invitae), Labcorp
Classification: Pathogenic for Mucopolysaccharidosis type 6. Last evaluated: 2023-04-25. Review status: criteria provided, single submitter. Criteria: Invitae Variant Classification Sherloc (09022015). Collection method: clinical testing. Allele origin: germline.
Comment: For these reasons, this variant has been classified as Pathogenic. ClinVar contains an entry for this variant (Variation ID: 559752). This premature translational stop signal has been observed in individual(s) with ARSB-related conditions (PMID: 24875751). This variant is not present in population databases (gnomAD no frequency). This sequence change creates a premature translational stop signal (p.Gln88*) in the ARSB gene. It is expected to result in an absent or disrupted protein product. Loss-of-function variants in ARSB are known to be pathogenic (PMID: 17458871, 22133300).

Fulgent Genetics
Classification: Pathogenic for Mucopolysaccharidosis type 6. Last evaluated: 2022-05-02. Review status: criteria provided, single submitter. Criteria: ACMG Guidelines, 2015. Collection method: clinical testing. Allele origin: unknown.

Laboratory of Diagnosis and Therapy of Lysosomal Disorders, University of Padova
Classification: Pathogenic for Mucopolysaccharidosis type 6. Last evaluated: 2018-01-01. Review status: criteria provided, single submitter. Criteria: ACMG Guidelines, 2015. Collection method: curation. Allele origin: germline. Affected: yes.
Comment: Nonsense variant (PVS1); Absent from Gnomad (PM2); Reputable source identifies as pathogenic (PP5)

Literature cited by the submitters: PubMed 24875751 (cited by Labcorp Genetics (formerly Invitae), Labcorp and Laboratory of Diagnosis and Therapy of Lysosomal Disorders, University of Padova); PubMed 17458871 (cited by Labcorp Genetics (formerly Invitae), Labcorp); PubMed 22133300 (cited by Labcorp Genetics (formerly Invitae), Labcorp); PubMed 21917494 (cited by Laboratory of Diagnosis and Therapy of Lysosomal Disorders, University of Padova); PubMed 30118150 (cited by Laboratory of Diagnosis and Therapy of Lysosomal Disorders, University of Padova).